The following is an entry in ClinVar:

NM_003238.6(TGFB2):c.109A>T (p.Ile37Phe)

Gene: TGFB2 (transforming growth factor beta 2; plus strand). Cytogenetic location: 1q41.
Variant type: single nucleotide variant.
Coding change: c.109A>T on transcript NM_003238.6 (MANE Select); coding-DNA position 109, A replaced by T.
Protein change: p.Ile37Phe; replaces isoleucine 37 with phenylalanine.
Molecular consequence: missense variant. On other transcripts: non-coding transcript variant (2).
Genome position (GRCh38, 1-based): chr1:218,346,810, A>T. VCF-style: chr1-218346810-A-T. GRCh37 (hg19) VCF-style: chr1-218520152-A-T.
Other names: c.109A>T, p.Ile37Phe (NM_001135599.4); short protein forms I37F.
Identifiers: ClinVar variation 4800044 (VCV004800044.1).

ClinVar aggregate classification (germline): Uncertain significance (1 of 4 stars; one submission).

Conditions:
Loeys-Dietz syndrome 4 (LDS4). Also called: ANEURYSM, AORTIC AND CEREBRAL, WITH ARTERIAL TORTUOSITY AND SKELETAL MANIFESTATIONS; TGFB2-Related Loeys-Dietz Syndrome. Identifiers: MedGen C3553762, MONDO:0013897, OMIM 614816.

Submission:

Labcorp Genetics (formerly Invitae), Labcorp
Classification: Uncertain significance for Loeys-Dietz syndrome 4. Last evaluated: 2026-01-18. Review status: criteria provided, single submitter. Criteria: Invitae Variant Classification Sherloc (09022015). Collection method: clinical testing. Allele origin: germline.
Comment: This sequence change replaces isoleucine, which is neutral and non-polar, with phenylalanine, which is neutral and non-polar, at codon 37 of the TGFB2 protein (p.Ile37Phe). This variant is not present in population databases (gnomAD no frequency). This variant has not been reported in the literature in individuals affected with TGFB2-related conditions. Invitae Evidence Modeling of protein sequence and biophysical properties (such as structural, functional, and spatial information, amino acid conservation, physicochemical variation, residue mobility, and thermodynamic stability) indicates that this missense variant is not expected to disrupt TGFB2 protein function with a negative predictive value of 95%. In summary, the available evidence is currently insufficient to determine the role of this variant in disease. Therefore, it has been classified as a Variant of Uncertain Significance.